The following is an entry in ClinVar:

ClinVar aggregate classification (germline): Uncertain significance (1 of 4 stars; one submission).

Allele frequency attached by ClinVar (database versions not stated): ExAC 0.00001; gnomAD 0.00001; gnomAD exomes 0.00001; TOPMed 0.00001; ESP Exome Variant Server 0.00008.
gnomAD v4.1: 22 of 1,614,108 alleles (0.0014%); highest among the groups gnomAD compares: Non-Finnish European, 0.0017%; no homozygotes.

Submission:

Labcorp Genetics (formerly Invitae), Labcorp
Classification: Uncertain significance. Last evaluated: 2024-02-05. Review status: criteria provided, single submitter. Criteria: Invitae Variant Classification Sherloc (09022015). Collection method: clinical testing. Allele origin: germline.
Comment: This sequence change replaces isoleucine, which is neutral and non-polar, with threonine, which is neutral and polar, at codon 205 of the ARHGAP31 protein (p.Ile205Thr). This variant is present in population databases (rs368795933, gnomAD 0.002%). This variant has not been reported in the literature in individuals affected with ARHGAP31-related conditions. ClinVar contains an entry for this variant (Variation ID: 1393758). An algorithm developed to predict the effect of missense changes on protein structure and function (PolyPhen-2) suggests that this variant is likely to be disruptive. In summary, the available evidence is currently insufficient to determine the role of this variant in disease. Therefore, it has been classified as a Variant of Uncertain Significance.

NM_020754.4(ARHGAP31):c.614T>C (p.Ile205Thr)

Gene: ARHGAP31 (Rho GTPase activating protein 31; plus strand). Cytogenetic location: 3q13.33.
Variant type: single nucleotide variant.
Coding change: c.614T>C on transcript NM_020754.4 (MANE Select); coding-DNA position 614, T replaced by C.
Protein change: p.Ile205Thr; replaces isoleucine 205 with threonine.
Molecular consequence: missense variant.
Genome position (GRCh38, 1-based): chr3:119,383,158, T>C. VCF-style: chr3-119383158-T-C. GRCh37 (hg19) VCF-style: chr3-119102005-T-C.
Other names: short protein forms I205T.
Identifiers: ClinVar variation 1393758 (VCV001393758.6), dbSNP rs368795933, ClinGen allele CA2553646.